The following is an entry in ClinVar:

ClinVar aggregate classification (germline): Uncertain significance (1 of 4 stars; one submission).

Conditions:
F8-related disorder. Also called: F8-related condition.

gnomAD v4.1: 138 of 1,210,072 alleles (0.011%); highest among the groups gnomAD compares: Non-Finnish European, 0.015%; no homozygotes.

Submission:

PreventionGenetics, part of Exact Sciences
Classification: Uncertain significance for F8-related condition. Last evaluated: 2024-12-19. Review status: criteria provided, single submitter. Criteria: ACMG Guidelines, 2015. Collection method: clinical testing. Allele origin: germline.
Comment: The F8 c.4436G>A variant is predicted to result in the amino acid substitution p.Gly1479Asp. To our knowledge, this variant has not been reported in the literature. This variant is reported in 0.017% of alleles in individuals of European (Non-Finnish) descent in gnomAD, including 8 hemizygotes. At this time, the clinical significance of this variant is uncertain due to the absence of conclusive functional and genetic evidence.

NM_000132.4(F8):c.4436G>A (p.Gly1479Asp)

Gene: F8 (coagulation factor VIII; minus strand). Cytogenetic location: Xq28.
Variant type: single nucleotide variant.
Coding change: c.4436G>A on transcript NM_000132.4 (MANE Select); coding-DNA position 4436, G replaced by A.
Protein change: p.Gly1479Asp; replaces glycine 1479 with aspartic acid.
Molecular consequence: missense variant.
Genome position (GRCh38, 1-based): chrX:154,929,354, C>T on the plus strand (G>A on the coding strand, the complement: F8 is on the minus strand). VCF-style: chrX-154929354-C-T. GRCh37 (hg19) VCF-style: chrX-154157629-C-T.
Other names: short protein forms G1479D.
Identifiers: ClinVar variation 4981951 (VCV004981951.1).